The following is an entry in ClinVar:

ClinVar aggregate classification (germline): Likely benign. Review status: criteria provided, multiple submitters, no conflicts (2 of 4 stars). 2 submissions from 2 submitters: Likely benign (2). Last evaluated 2025-12-15.

Allele frequency attached by ClinVar (database versions not stated): gnomAD 0.00002; TOPMed 0.00002; ExAC 0.00004; gnomAD exomes 0.00004 and 0.00009.
gnomAD v4.1: 132 of 1,604,520 alleles (0.0082%); highest among the groups gnomAD compares: Non-Finnish European, 0.011%; no homozygotes.

Submissions (2):

Labcorp Genetics (formerly Invitae), Labcorp
Classification: Likely benign. Last evaluated: 2025-12-15. Review status: criteria provided, single submitter. Criteria: Invitae Variant Classification Sherloc (09022015). Collection method: clinical testing. Allele origin: germline.

CeGaT Center for Human Genetics Tuebingen
Classification: Likely benign. Last evaluated: 2024-12-01. Review status: criteria provided, single submitter. Criteria: CeGaT Center For Human Genetics Tuebingen Variant Classification Criteria Version 2. Collection method: clinical testing. Allele origin: germline. Affected: yes. Observed: 1 variant allele.
Comment: NSD2: BP4, BP7

NM_001042424.3(NSD2):c.546C>A (p.Gly182=)

Gene: NSD2 (nuclear receptor binding SET domain protein 2; plus strand). Cytogenetic location: 4p16.3.
Variant type: single nucleotide variant.
Coding change: c.546C>A on transcript NM_001042424.3 (MANE Select); coding-DNA position 546, C replaced by A.
Protein change: p.Gly182=; no amino-acid change (glycine 182 retained).
Molecular consequence: synonymous variant.
Genome position (GRCh38, 1-based): chr4:1,901,200, C>A. VCF-style: chr4-1901200-C-A. GRCh37 (hg19) VCF-style: chr4-1902927-C-A.
Other names: c.546C>A, p.Gly182= (NM_007331.2, NM_133330.3, NM_133331.3 and 2 more transcripts).
Identifiers: ClinVar variation 348425 (VCV000348425.23), dbSNP rs766214080, ClinGen allele CA2811891.